The following is an entry in ClinVar:

NM_000337.6(SGCD):c.491T>A (p.Leu164Ter)

Gene: SGCD (sarcoglycan delta; plus strand). Cytogenetic location: 5q33.3.
Variant type: single nucleotide variant.
Coding change: c.491T>A on transcript NM_000337.6 (MANE Select); coding-DNA position 491, T replaced by A.
Protein change: p.Leu164Ter; replaces leucine 164 with a stop codon.
Molecular consequence: nonsense.
Genome position (GRCh38, 1-based): chr5:156,595,040, T>A. VCF-style: chr5-156595040-T-A. GRCh37 (hg19) VCF-style: chr5-156022050-T-A.
Other names: c.488T>A, p.Leu163Ter (NM_001128209.2); c.491T>A, p.Leu164Ter (NM_172244.3); short protein forms L163*, L164*.
Identifiers: ClinVar variation 5015935 (VCV005015935.1).
Genomic context (GRCh38, chr5:156,595,040, plus strand): 5'-TTTCTGGAAAATTGCTCTTCTCTGCAGACAATAATGAAGTGGTAGTAGGAGCTGAAAGAT[T>A]ACGAGTTTTAGGTAAGGAAACTTGAATCATTTAACTTGTTTGATGCTACTGTGTACATTT-3'

ClinVar aggregate classification (germline): Pathogenic (1 of 4 stars; one submission).

Conditions:
Autosomal recessive limb-girdle muscular dystrophy type 2F (LGMDR6). Also called: Muscular dystrophy limb-girdle with delta-sarcoglyan deficiency; MUSCULAR DYSTROPHY, LIMB-GIRDLE, AUTOSOMAL RECESSIVE 6. Identifiers: Orphanet 219, MedGen C1832525, MONDO:0011028, OMIM 601287. Disease mechanism: Affects gamma-sarcoglycan and also disrupts the integrity of the entire sarcoglycan complex..

Submission:

Myriad Genetics, Inc.
Classification: Pathogenic for Autosomal recessive limb-girdle muscular dystrophy type 2F. Last evaluated: 2026-05-21. Review status: criteria provided, single submitter. Criteria: Myriad Autosomal Dominant, Autosomal Recessive and X-Linked Classification Criteria (2023). Collection method: clinical testing. Allele origin: unknown.
Comment: NM_000337.5(SGCD):c.491T>A(L164*) is expected to be pathogenic in the context of delta-sarcoglycanopathy. This variant is predicted to lead to an abnormal or absent protein product due to the creation of a premature termination codon in SGCD, a gene where loss-of-function variants are known to be pathogenic. Please note: this variant was assessed in the context of healthy population screening.